The following is an entry in ClinVar:

NM_003098.3(SNTA1):c.991C>T (p.Arg331Cys)

Gene: SNTA1 (syntrophin alpha 1; minus strand). Cytogenetic location: 20q11.21.
Variant type: single nucleotide variant.
Coding change: c.991C>T on transcript NM_003098.3 (MANE Select); coding-DNA position 991, C replaced by T.
Protein change: p.Arg331Cys; replaces arginine 331 with cysteine.
Molecular consequence: missense variant.
Genome position (GRCh38, 1-based): chr20:33,412,345, G>A on the plus strand (C>T on the coding strand, the complement: SNTA1 is on the minus strand). VCF-style: chr20-33412345-G-A. GRCh37 (hg19) VCF-style: chr20-32000151-G-A.
Other names: p.R331C:CGC>TGC; short protein forms R331C.
Identifiers: ClinVar variation 190916 (VCV000190916.11), dbSNP rs769528459, ClinGen allele CA302276.

ClinVar aggregate classification (germline): Uncertain significance. Review status: criteria provided, multiple submitters, no conflicts (2 of 4 stars). 3 submissions from 3 submitters: Uncertain significance (3). Last evaluated 2023-02-08.

Conditions:
Long QT syndrome (LQTS). Identifiers: MedGen C0023976, MeSH D008133, MONDO:0002442. Disease mechanism: loss of function. Inheritance: Various modes of inheritance.
Cardiovascular phenotype. Identifiers: MedGen CN230736.

Allele frequency attached by ClinVar (database versions not stated): gnomAD exomes 0.00001; ExAC 0.00002.
gnomAD v4.1: 15 of 1,611,788 alleles (0.00093%); highest among the groups gnomAD compares: South Asian, 0.0022%; no homozygotes.

Submissions (3):

Ambry Genetics
Classification: Uncertain significance for Cardiovascular phenotype. Last evaluated: 2023-02-08. Review status: criteria provided, single submitter. Criteria: Ambry Variant Classification Scheme 2023. Collection method: clinical testing. Allele origin: germline.
Comment: The p.R331C variant (also known as c.991C>T), located in coding exon 5 of the SNTA1 gene, results from a C to T substitution at nucleotide position 991. The arginine at codon 331 is replaced by cysteine, an amino acid with highly dissimilar properties. This amino acid position is conserved. In addition, this alteration is predicted to be tolerated by in silico analysis. Since supporting evidence is limited at this time, the clinical significance of this alteration remains unclear.

Labcorp Genetics (formerly Invitae), Labcorp
Classification: Uncertain significance for Long QT syndrome. Last evaluated: 2021-06-12. Review status: criteria provided, single submitter. Criteria: Invitae Variant Classification Sherloc (09022015). Collection method: clinical testing. Allele origin: germline.
Comment: This sequence change replaces arginine with cysteine at codon 331 of the SNTA1 protein (p.Arg331Cys). The arginine residue is moderately conserved and there is a large physicochemical difference between arginine and cysteine. This variant is present in population databases (rs769528459, ExAC 0.004%). In summary, the available evidence is currently insufficient to determine the role of this variant in disease. Therefore, it has been classified as a Variant of Uncertain Significance. Algorithms developed to predict the effect of missense changes on protein structure and function are either unavailable or do not agree on the potential impact of this missense change (SIFT: "Deleterious"; PolyPhen-2: "Probably Damaging"; Align-GVGD: "Class C0"). This variant has not been reported in the literature in individuals with SNTA1-related conditions. ClinVar contains an entry for this variant (Variation ID: 190916).

GeneDx
Classification: Uncertain significance. Last evaluated: 2014-04-28. Review status: criteria provided, single submitter. Criteria: GeneDx Variant Classification (06012015). Collection method: clinical testing. Allele origin: germline. Affected: yes.
Comment: The R331C variant has not been published as a mutation or as a benign polymorphism to our knowledge. The R331C variant was not observed in approximately 6,500 individuals of European and African American ancestry in the NHLBI Exome Sequencing Project, indicating it is not a common benign variant in these populations. Additionally, the R331C variant is a non-conservative amino acid substitution, which is likely to impact secondary protein structure as these residues differ in polarity, charge, size and/or other properties. This substitution occurs at a position that is conserved in mammals. Furthermore, in silico analysis predicts this variant is probably damaging to the protein structure/function. However, while other missense mutations in the same PH2 domain have been reported in association with LQTS, no missense mutations in nearby residues have been reported. Therefore, based on the currently available information, it is unclear whether this variant is a pathogenic mutation or a rare benign variant.The variant is found in LQT panel(s).